The following is an entry in ClinVar:

ClinVar aggregate classification (germline): Uncertain significance (1 of 4 stars; one submission).

Submission:

GeneDx
Classification: Uncertain significance. Last evaluated: 2024-05-29. Review status: criteria provided, single submitter. Criteria: GeneDx Variant Classification Process June 2021. Collection method: clinical testing. Allele origin: germline. Affected: yes.
Comment: Not observed at significant frequency in large population cohorts (gnomAD); In silico analysis indicates that this missense variant does not alter protein structure/function; Has not been previously published as pathogenic or benign to our knowledge

NM_005909.5(MAP1B):c.2074G>A (p.Glu692Lys)

Gene: MAP1B (microtubule associated protein 1B; plus strand). Cytogenetic location: 5q13.2.
Variant type: single nucleotide variant.
Coding change: c.2074G>A on transcript NM_005909.5 (MANE Select); coding-DNA position 2074, G replaced by A.
Protein change: p.Glu692Lys; replaces glutamic acid 692 with lysine.
Molecular consequence: missense variant.
Genome position (GRCh38, 1-based): chr5:72,195,429, G>A. VCF-style: chr5-72195429-G-A. GRCh37 (hg19) VCF-style: chr5-71491256-G-A.
Other names: c.1696G>A, p.Glu566Lys (NM_001324255.2); short protein forms E566K, E692K.
Identifiers: ClinVar variation 3383714 (VCV003383714.1).